The following is an entry in ClinVar:

NM_001286.5(CLCN6):c.433A>G (p.Ser145Gly)

Gene: CLCN6 (chloride voltage-gated channel 6; plus strand). Cytogenetic location: 1p36.22.
Variant type: single nucleotide variant.
Coding change: c.433A>G on transcript NM_001286.5 (MANE Select); coding-DNA position 433, A replaced by G.
Protein change: p.Ser145Gly; replaces serine 145 with glycine.
Molecular consequence: missense variant. On other transcripts: non-coding transcript variant (1).
Genome position (GRCh38, 1-based): chr1:11,822,781, A>G. VCF-style: chr1-11822781-A-G. GRCh37 (hg19) VCF-style: chr1-11882838-A-G.
Other names: c.367A>G, p.Ser123Gly (NM_001256959.2); short protein forms S145G, S123G.
Identifiers: ClinVar variation 1421232 (VCV001421232.6), dbSNP rs2100630019, ClinGen allele CA338427477.

ClinVar aggregate classification (germline): Uncertain significance (1 of 4 stars; one submission).

Submission:

Labcorp Genetics (formerly Invitae), Labcorp
Classification: Uncertain significance. Last evaluated: 2023-07-07. Review status: criteria provided, single submitter. Criteria: Invitae Variant Classification Sherloc (09022015). Collection method: clinical testing. Allele origin: germline.
Comment: In summary, the available evidence is currently insufficient to determine the role of this variant in disease. Therefore, it has been classified as a Variant of Uncertain Significance. Algorithms developed to predict the effect of sequence changes on RNA splicing suggest that this variant may create or strengthen a splice site. An algorithm developed to predict the effect of missense changes on protein structure and function (PolyPhen-2) suggests that this variant is likely to be tolerated. ClinVar contains an entry for this variant (Variation ID: 1421232). This variant has not been reported in the literature in individuals affected with CLCN6-related conditions. This variant is not present in population databases (gnomAD no frequency). This sequence change replaces serine, which is neutral and polar, with glycine, which is neutral and non-polar, at codon 145 of the CLCN6 protein (p.Ser145Gly).